The following is an entry in ClinVar:

ClinVar aggregate classification (germline): Conflicting classifications of pathogenicity. Review status: criteria provided, conflicting classifications (1 of 4 stars). 4 submissions from 4 submitters: Uncertain significance (1); Likely benign (3). Last evaluated 2026-01-19.

Conditions:
CNGB1-related disorder. Also called: CNGB1-related condition.
Retinitis pigmentosa (RP). Identifiers: Orphanet 791, MedGen C0035334, MeSH D012174, MONDO:0019200, OMIM 268000. Inheritance: Autosomal dominant, autosomal recessive and X linked inheritance.

Allele frequency attached by ClinVar (database versions not stated): gnomAD 0.00007; TOPMed 0.00008.

Submissions (4):

Labcorp Genetics (formerly Invitae), Labcorp
Classification: Likely benign. Last evaluated: 2026-01-19. Review status: criteria provided, single submitter. Criteria: Invitae Variant Classification Sherloc (09022015). Collection method: clinical testing. Allele origin: germline.

PreventionGenetics, part of Exact Sciences
Classification: Likely benign for CNGB1-related condition. Last evaluated: 2025-05-07. Review status: criteria provided, single submitter. Criteria: ACMG Guidelines, 2015. Collection method: clinical testing. Allele origin: germline.
Comment: This variant is classified as likely benign based on ACMG/AMP sequence variant interpretation guidelines (Richards et al. 2015 PMID: 25741868, with internal and published modifications).

Blueprint Genetics
Classification: Likely benign. Last evaluated: 2024-08-07. Review status: criteria provided, single submitter. Criteria: ACMG Guidelines, 2015. Collection method: clinical testing. Allele origin: germline.

Illumina Laboratory Services, Illumina
Classification: Uncertain significance for Retinitis pigmentosa. Last evaluated: 2018-01-12. Review status: criteria provided, single submitter. Criteria: ICSL Variant Classification Criteria 13 December 2019. Collection method: clinical testing. Allele origin: germline.

NM_001297.5(CNGB1):c.2862C>T (p.Tyr954=)

Gene: CNGB1 (cyclic nucleotide gated channel subunit beta 1; minus strand). Cytogenetic location: 16q21.
Variant type: single nucleotide variant.
Coding change: c.2862C>T on transcript NM_001297.5 (MANE Select); coding-DNA position 2862, C replaced by T.
Protein change: p.Tyr954=; no amino-acid change (tyrosine 954 retained).
Molecular consequence: synonymous variant.
Genome position (GRCh38, 1-based): chr16:57,901,558, G>A on the plus strand (C>T on the coding strand, the complement: CNGB1 is on the minus strand). VCF-style: chr16-57901558-G-A. GRCh37 (hg19) VCF-style: chr16-57935462-G-A.
Other names: c.2844C>T, p.Tyr948= (NM_001286130.2).
Identifiers: ClinVar variation 320069 (VCV000320069.15), dbSNP rs763416913, ClinGen allele CA8082796.